The following is an entry in ClinVar:

NM_000548.5(TSC2):c.1090A>G (p.Ile364Val)

Gene: TSC2 (TSC complex subunit 2; plus strand). Cytogenetic location: 16p13.3.
Variant type: single nucleotide variant.
Coding change: c.1090A>G on transcript NM_000548.5 (MANE Select); coding-DNA position 1090, A replaced by G.
Protein change: p.Ile364Val; replaces isoleucine 364 with valine.
Molecular consequence: missense variant.
Genome position (GRCh38, 1-based): chr16:2,060,784, A>G. VCF-style: chr16-2060784-A-G. GRCh37 (hg19) VCF-style: chr16-2110785-A-G.
Other names: c.1090A>G, p.Ile364Val (NM_001077183.3, NM_001114382.3, NM_001363528.2 and 3 more transcripts); c.979A>G, p.Ile327Val (NM_001318827.2); c.943A>G, p.Ile315Val (NM_001318829.2); c.490A>G, p.Ile164Val (NM_001318831.2); c.1123A>G, p.Ile375Val (NM_001318832.2); short protein forms I164V, I364V, I375V, I315V, I327V.
Identifiers: ClinVar variation 942740 (VCV000942740.14), dbSNP rs2086536512, ClinGen allele CA394318178.
Genomic context (GRCh38, chr16:2,060,784, plus strand): 5'-AGGCTCATCAAGAAGTATAGGAAGGAGCTCCAGGTGGTGGCGTGGGACATTCTGCTGAAC[A>G]TCATCGAACGGCTCCTTCAGCAGCTCCAGGTGGGGTGGGGGCAGGAGCTCCGGGGAGCAC-3'
Protein context (NP_000539.2, residues 354-374): QVVAWDILLN[Ile364Val]IERLLQQLQT

ClinVar aggregate classification (germline): Uncertain significance. Review status: criteria provided, multiple submitters, no conflicts (2 of 4 stars). 2 submissions from 2 submitters: Uncertain significance (2). Last evaluated 2026-04-01.

Conditions:
Hereditary cancer-predisposing syndrome. Also called: Hereditary Cancer Syndrome; Neoplastic Syndromes, Hereditary; Tumor predisposition; Hereditary neoplastic syndrome. Identifiers: Orphanet 140162, MedGen C0027672, MeSH D009386, MONDO:0015356.
Tuberous sclerosis 2 (TSC2). Identifiers: Orphanet 805, MedGen C1860707, MONDO:0013199, OMIM 613254.

Allele frequency attached by ClinVar (database versions not stated): gnomAD exomes below 0.00001.
gnomAD v4.1: 3 of 1,613,784 alleles (0.00019%); highest among the groups gnomAD compares: East Asian, 0.0022%; no homozygotes.

Submissions (2):

Ambry Genetics
Classification: Uncertain significance for Hereditary cancer-predisposing syndrome. Last evaluated: 2026-04-01. Review status: criteria provided, single submitter. Criteria: Ambry Variant Classification Scheme 2023. Collection method: clinical testing. Allele origin: germline.
Comment: The p.I364V variant (also known as c.1090A>G), located in coding exon 10 of the TSC2 gene, results from an A to G substitution at nucleotide position 1090. The isoleucine at codon 364 is replaced by valine, an amino acid with highly similar properties. This variant was detected as heterozygous in individual(s) with no reported features of tuberous sclerosis complex ( Ambry internal data). This amino acid position is well conserved in available vertebrate species. In addition, the in silico prediction for this alteration is inconclusive. Based on the available evidence, the clinical significance of this variant remains unclear.

Labcorp Genetics (formerly Invitae), Labcorp
Classification: Uncertain significance for Tuberous sclerosis 2. Last evaluated: 2025-02-07. Review status: criteria provided, single submitter. Criteria: Invitae Variant Classification Sherloc (09022015). Collection method: clinical testing. Allele origin: germline.
Comment: This sequence change replaces isoleucine, which is neutral and non-polar, with valine, which is neutral and non-polar, at codon 364 of the TSC2 protein (p.Ile364Val). This variant is not present in population databases (gnomAD no frequency). This variant has not been reported in the literature in individuals affected with TSC2-related conditions. ClinVar contains an entry for this variant (Variation ID: 942740). Invitae Evidence Modeling of protein sequence and biophysical properties (such as structural, functional, and spatial information, amino acid conservation, physicochemical variation, residue mobility, and thermodynamic stability) indicates that this missense variant is not expected to disrupt TSC2 protein function with a negative predictive value of 95%. In summary, the available evidence is currently insufficient to determine the role of this variant in disease. Therefore, it has been classified as a Variant of Uncertain Significance.